The following is an entry in ClinVar:

NM_001134382.3(IQSEC1):c.2526C>T (p.Asp842=)

Gene: IQSEC1 (IQ motif and Sec7 domain ArfGEF 1; minus strand). Cytogenetic location: 3p25.2.
Variant type: single nucleotide variant.
Coding change: c.2526C>T on transcript NM_001134382.3 (MANE Select); coding-DNA position 2526, C replaced by T.
Protein change: p.Asp842=; no amino-acid change (aspartic acid 842 retained).
Molecular consequence: synonymous variant.
Genome position (GRCh38, 1-based): chr3:12,909,325, G>A on the plus strand (C>T on the coding strand, the complement: IQSEC1 is on the minus strand). VCF-style: chr3-12909325-G-A. GRCh37 (hg19) VCF-style: chr3-12950825-G-A.
Other names: c.2202C>T, p.Asp734= (NM_001330619.3); c.2850C>T, p.Asp950= (NM_001376938.2); c.2568C>T, p.Asp856= (NM_014869.8).
Identifiers: ClinVar variation 3388132 (VCV003388132.14).

ClinVar aggregate classification (germline): Likely benign (1 of 4 stars; one submission).

gnomAD v4.1: 28 of 1,614,106 alleles (0.0017%); highest among the groups gnomAD compares: Non-Finnish European, 0.0022%; no homozygotes.

Submission:

CeGaT Center for Human Genetics Tuebingen
Classification: Likely benign. Last evaluated: 2024-09-01. Review status: criteria provided, single submitter. Criteria: CeGaT Center For Human Genetics Tuebingen Variant Classification Criteria Version 2. Collection method: clinical testing. Allele origin: germline. Affected: yes. Observed: 1 variant allele.
Comment: IQSEC1: BP4, BP7